The following is an entry in ClinVar:

ClinVar aggregate classification (germline): Likely benign. Review status: criteria provided, single submitter (1 of 4 stars). 2 submissions from 2 submitters: Likely benign (1). 1 of the submissions does not count toward it. Last evaluated 2023-11-20.

Conditions:
POR-related disorder. Also called: POR-related condition.
Congenital adrenal hyperplasia due to cytochrome P450 oxidoreductase deficiency. Also called: DISORDERED STEROIDOGENESIS DUE TO POR DEFICIENCY. Identifiers: Orphanet 95699, MedGen C1860042, MONDO:0013310, OMIM 613571.

Allele frequency attached by ClinVar (database versions not stated): gnomAD 0.00001; ExAC 0.00002; gnomAD exomes 0.00002; TOPMed 0.00005; ESP Exome Variant Server 0.00008.
gnomAD v4.1: 22 of 1,612,786 alleles (0.0014%); highest among the groups gnomAD compares: African/African-American, 0.0067%; no homozygotes.

Submissions (2):

Labcorp Genetics (formerly Invitae), Labcorp
Classification: Likely benign for Congenital adrenal hyperplasia due to cytochrome P450 oxidoreductase deficiency. Last evaluated: 2023-11-20. Review status: criteria provided, single submitter. Criteria: Invitae Variant Classification Sherloc (09022015). Collection method: clinical testing. Allele origin: germline.

PreventionGenetics, part of Exact Sciences
Classification: Likely benign for POR-related condition. Last evaluated: 2019-12-04. Review status: no assertion criteria provided. Collection method: clinical testing. Allele origin: germline. Not counted in ClinVar's aggregate classification.
Comment: This variant is classified as likely benign based on ACMG/AMP sequence variant interpretation guidelines (Richards et al. 2015 PMID: 25741868, with internal and published modifications).

NM_001395413.1(POR):c.765G>A (p.Ala255=)

Gene: POR (cytochrome p450 oxidoreductase; plus strand). Cytogenetic location: 7q11.23.
Variant type: single nucleotide variant.
Coding change: c.765G>A on transcript NM_001395413.1 (MANE Select); coding-DNA position 765, G replaced by A.
Protein change: p.Ala255=; no amino-acid change (alanine 255 retained).
Molecular consequence: synonymous variant.
Genome position (GRCh38, 1-based): chr7:75,982,266, G>A. VCF-style: chr7-75982266-G-A. GRCh37 (hg19) VCF-style: chr7-75611584-G-A.
Other names: c.774G>A, p.Ala258= (NM_000941.2, NM_000941.3); c.765G>A, p.Ala255= (NM_001367562.3, NM_001382657.2, NM_001382658.3 and 2 more transcripts); c.819G>A, p.Ala273= (NM_001382655.3).
Identifiers: ClinVar variation 2740357 (VCV002740357.5), dbSNP rs371387720, ClinGen allele CA4303826.